The following is an entry in ClinVar:

ClinVar aggregate classification (germline): Benign (1 of 4 stars; one submission).

Allele frequency attached by ClinVar (database versions not stated): ExAC 0.00087; 1000 Genomes Project 30x 0.00203; 1000 Genomes Project 0.00240.
gnomAD v4.1: 721 of 1,611,980 alleles (0.045%); highest among the groups gnomAD compares: South Asian, 0.64%; 8 homozygotes.

Submission:

CeGaT Center for Human Genetics Tuebingen
Classification: Benign. Last evaluated: 2022-05-01. Review status: criteria provided, single submitter. Criteria: CeGaT Center For Human Genetics Tuebingen Variant Classification Criteria Version 2. Collection method: clinical testing. Allele origin: germline. Affected: yes. Observed: 1 variant allele.
Comment: MAPK8IP3: BS1, BS2

NM_001318852.2(MAPK8IP3):c.3524-38C>T

Gene: MAPK8IP3 (mitogen-activated protein kinase 8 interacting protein 3; plus strand). Cytogenetic location: 16p13.3.
Variant type: single nucleotide variant.
Coding change: c.3524-38C>T on transcript NM_001318852.2 (MANE Select); 38 bases into the intron before coding-DNA position 3524, C replaced by T.
Molecular consequence: intron variant.
Genome position (GRCh38, 1-based): chr16:1,768,031, C>T. VCF-style: chr16-1768031-C-T. GRCh37 (hg19) VCF-style: chr16-1818032-C-T.
Other names: c.3521-38C>T (NM_015133.5); c.3503-38C>T (NM_001040439.2).
Identifiers: ClinVar variation 2645936 (VCV002645936.24), dbSNP rs570372070, ClinGen allele CA7817721.
Genomic context (GRCh38, chr16:1,768,031, plus strand): 5'-GGTTCACGGGGTGGCTCTGCAGGGCCACCTTGGAGGGTGCCTTGCTGCCCCTACGCTGAC[C>T]GCTCTCCTCTTCTCCCATGCTCCTCCCATGTCCCCAGCTGTGGTCCTGCACCGAGGCCAG-3'